The following is an entry in ClinVar:

ClinVar aggregate classification (germline): Uncertain significance (1 of 4 stars; one submission).

Submission:

Greenwood Genetic Center Diagnostic Laboratories, Greenwood Genetic Center
Classification: Uncertain significance. Last evaluated: 2024-06-03. Review status: criteria provided, single submitter. Criteria: ACMG Guidelines, 2015. Collection method: clinical testing. Allele origin: germline. Affected: yes.
Comment: PM2

NM_020829.4(RIC1):c.4184dup (p.Asn1395fs)

Gene: RIC1 (RIC1 homolog, RAB6A GEF complex partner 1; plus strand). Cytogenetic location: 9p24.1.
Variant type: Duplication.
Coding change: c.4184dup on transcript NM_020829.4 (MANE Select); coding-DNA position 4184, one base duplicated (A; older notation c.4184dupA).
Protein change: p.Asn1395fs; shifts the reading frame from asparagine 1395.
Molecular consequence: frameshift variant.
Genome position (GRCh38, 1-based): chr9:5,774,158, A duplicated; the last of 2 consecutive A bases (chr9:5,774,157-5,774,158); duplicating either gives the same sequence. VCF-style (leftmost placement, unchanged base first): chr9-5774156-C-CA. GRCh37 (hg19) VCF-style: chr9-5774156-C-CA.
Other names: c.4073dup, p.Asn1358fs (NM_001206557.2); short protein forms N1358fs, N1395fs.
Identifiers: ClinVar variation 3338542 (VCV003338542.1).
Genomic context (GRCh38, chr9:5,774,156, plus strand): 5'-AGAGGAGAGCAGGGGCTCCTCCAGCCATGGAAGCATCCCCCAGGGTGAAGTTGGAAGCAG[C>CA]AATATGGTCAGCCGGAAAGAGGAGGACACAGCCCAAGCAGAGGAGGAAGAACCTTTTCAG-3'